The following is an entry in ClinVar:

NM_000153.4(GALC):c.*627A>G

Gene: GALC (galactosylceramidase; minus strand). Cytogenetic location: 14q31.3.
Variant type: single nucleotide variant.
Coding change: c.*627A>G on transcript NM_000153.4 (MANE Select); 627 bases downstream of the stop codon, A replaced by G.
Molecular consequence: 3 prime UTR variant.
Genome position (GRCh38, 1-based): chr14:87,934,105, T>C on the plus strand (A>G on the coding strand, the complement: GALC is on the minus strand). VCF-style: chr14-87934105-T-C. GRCh37 (hg19) VCF-style: chr14-88400449-T-C.
Other names: c.*627A>G (NM_001201401.2, NM_001201402.2).
Identifiers: ClinVar variation 314738 (VCV000314738.7), dbSNP rs413750, ClinGen allele CA10635476.

ClinVar aggregate classification (germline): Benign. Review status: criteria provided, multiple submitters, no conflicts (2 of 4 stars). 3 submissions from 3 submitters: Benign (3). Last evaluated 2018-06-27.

Conditions:
Galactosylceramide beta-galactosidase deficiency. Also called: GALACTOCEREBROSIDASE DEFICIENCY; GALC DEFICIENCY; GLOBOID CELL LEUKOENCEPHALOPATHY; Krabbe Disease; Leukodystrophy, Globoid Cell. Identifiers: Orphanet 487, MedGen C0023521, MONDO:0009499, OMIM 245200.

Allele frequency attached by ClinVar (database versions not stated): 1000 Genomes Project 0.94089; 1000 Genomes Project 30x 0.94097; TOPMed 0.95046; gnomAD 0.95456 and 0.95679; gnomAD exomes 0.99450.
gnomAD v4.1: 1,491,193 of 1,505,686 alleles (99%); highest among the groups gnomAD compares: Non-Finnish European, 100%; 739,196 homozygotes.

Submissions (3):

Blueprint Genetics
Classification: Benign. Last evaluated: 2018-06-27. Review status: criteria provided, single submitter. Criteria: ACMG Guidelines, 2015. Collection method: clinical testing. Allele origin: germline.

Illumina Laboratory Services, Illumina
Classification: Benign for Galactosylceramide beta-galactosidase deficiency. Last evaluated: 2018-01-13. Review status: criteria provided, single submitter. Criteria: ICSL Variant Classification Criteria 13 December 2019. Collection method: clinical testing. Allele origin: germline.
Comment: This variant was observed in the ICSL laboratory as part of a predisposition screen in an ostensibly healthy population. It had not been previously curated by ICSL or reported in the Human Gene Mutation Database (HGMD: prior to June 1st, 2018), and was therefore a candidate for classification through an automated scoring system. Utilizing variant allele frequency, disease prevalence and penetrance estimates, and inheritance mode, an automated score was calculated to assess if this variant is too frequent to cause the disease. Based on the score and internal cut-off values, a variant classified as benign is not then subjected to further curation. The score for this variant resulted in a classification of benign for this disease.

Breakthrough Genomics
Classification: Benign. Review status: criteria provided, single submitter. Criteria: ACMG Guidelines, 2015. Collection method: not provided. Allele origin: germline. Inheritance: Autosomal recessive inheritance. Affected: yes.